The following is an entry in ClinVar:

NM_004285.4(H6PD):c.1039C>T (p.Leu347Phe)

Gene: H6PD (hexose-6-phosphate dehydrogenase/glucose 1-dehydrogenase; plus strand). Cytogenetic location: 1p36.22.
Variant type: single nucleotide variant.
Coding change: c.1039C>T on transcript NM_004285.4 (MANE Select); coding-DNA position 1039, C replaced by T.
Protein change: p.Leu347Phe; replaces leucine 347 with phenylalanine.
Molecular consequence: missense variant.
Genome position (GRCh38, 1-based): chr1:9,263,532, C>T. VCF-style: chr1-9263532-C-T. GRCh37 (hg19) VCF-style: chr1-9323591-C-T.
Other names: c.1072C>T, p.Leu358Phe (NM_001282587.2); short protein forms L347F, L358F.
Identifiers: ClinVar variation 1950376 (VCV001950376.5), dbSNP rs756870094, ClinGen allele CA575182.

ClinVar aggregate classification (germline): Uncertain significance (1 of 4 stars; one submission).

Allele frequency attached by ClinVar (database versions not stated): TOPMed below 0.00001; gnomAD 0.00001; gnomAD exomes 0.00001; ExAC 0.00007.
gnomAD v4.1: 10 of 1,614,084 alleles (0.00062%); highest among the groups gnomAD compares: Admixed American, 0.015%; no homozygotes.

Submission:

Labcorp Genetics (formerly Invitae), Labcorp
Classification: Uncertain significance. Last evaluated: 2022-03-02. Review status: criteria provided, single submitter. Criteria: Invitae Variant Classification Sherloc (09022015). Collection method: clinical testing. Allele origin: germline.
Comment: In summary, the available evidence is currently insufficient to determine the role of this variant in disease. Therefore, it has been classified as a Variant of Uncertain Significance. Algorithms developed to predict the effect of missense changes on protein structure and function are either unavailable or do not agree on the potential impact of this missense change (SIFT: "Tolerated"; PolyPhen-2: "Possibly Damaging"; Align-GVGD: "Class C0"). This variant has not been reported in the literature in individuals affected with H6PD-related conditions. The frequency data for this variant in the population databases is considered unreliable, as metrics indicate poor data quality at this position in the gnomAD database. This sequence change replaces leucine, which is neutral and non-polar, with phenylalanine, which is neutral and non-polar, at codon 347 of the H6PD protein (p.Leu347Phe).